The following is an entry in ClinVar:

ClinVar aggregate classification (germline): Pathogenic (1 of 4 stars; one submission).

Conditions:
Jeune thoracic dystrophy. Also called: Jeune syndrome; Infantile thoracic dystrophy; Thoracic pelvic phalangeal dystrophy; Jeune's syndrome; Chondroectodermal dysplasia-like syndrome; Short-rib thoracic dysplasia. Identifiers: Orphanet 474, MedGen C0265275, MONDO:0018770.

Allele frequency attached by ClinVar (database versions not stated): TOPMed below 0.00001; gnomAD 0.00001; ExAC 0.00003; gnomAD exomes 0.00004.
gnomAD v4.1: 31 of 1,613,524 alleles (0.0019%); highest among the groups gnomAD compares: South Asian, 0.0099%; no homozygotes.

Submission:

Labcorp Genetics (formerly Invitae), Labcorp
Classification: Pathogenic for Jeune thoracic dystrophy. Last evaluated: 2024-04-25. Review status: criteria provided, single submitter. Criteria: Invitae Variant Classification Sherloc (09022015). Collection method: clinical testing. Allele origin: germline.
Comment: This sequence change creates a premature translational stop signal (p.Arg628*) in the IFT80 gene. It is expected to result in an absent or disrupted protein product. Loss-of-function variants in IFT80 are known to be pathogenic (PMID: 21227999, 23339108, 29068549). This variant is present in population databases (rs781436346, gnomAD 0.01%). This variant has not been reported in the literature in individuals affected with IFT80-related conditions. ClinVar contains an entry for this variant (Variation ID: 1071537). For these reasons, this variant has been classified as Pathogenic.

Literature cited by the submitters: PubMed 21227999; PubMed 23339108; PubMed 29068549.

NM_020800.3(IFT80):c.1882C>T (p.Arg628Ter)

Genes: TRIM59-IFT80 (TRIM59-IFT80 readthrough (NMD candidate); minus strand), IFT80 (intraflagellar transport 80; minus strand). Cytogenetic location: 3q25.33.
Variant type: single nucleotide variant.
Coding change: c.1882C>T on transcript NM_020800.3 (MANE Select); coding-DNA position 1882, C replaced by T.
Protein change: p.Arg628Ter; replaces arginine 628 with a stop codon.
Molecular consequence: nonsense. On other transcripts: non-coding transcript variant (3).
Genome position (GRCh38, 1-based): chr3:160,277,625, G>A on the plus strand (C>T on the coding strand, the complement: IFT80 is on the minus strand). VCF-style: chr3-160277625-G-A. GRCh37 (hg19) VCF-style: chr3-159995413-G-A.
Other names: c.1471C>T, p.Arg491Ter (NM_001190241.2, NM_001190242.2); short protein forms R491*, R628*.
Identifiers: ClinVar variation 1071537 (VCV001071537.8), dbSNP rs781436346, ClinGen allele CA2685027.